The following is an entry in ClinVar:

NM_001009944.3(PKD1):c.9852C>A (p.Cys3284Ter)

Gene: PKD1 (polycystin 1, transient receptor potential channel interacting; minus strand). Cytogenetic location: 16p13.3.
Variant type: single nucleotide variant.
Coding change: c.9852C>A on transcript NM_001009944.3 (MANE Select); coding-DNA position 9852, C replaced by A.
Protein change: p.Cys3284Ter; replaces cysteine 3284 with a stop codon.
Molecular consequence: nonsense.
Genome position (GRCh38, 1-based): chr16:2,099,932, G>T on the plus strand (C>A on the coding strand, the complement: PKD1 is on the minus strand). VCF-style: chr16-2099932-G-T. GRCh37 (hg19) VCF-style: chr16-2149933-G-T.
Other names: c.9852C>A, p.Cys3284Ter (NM_000296.4); short protein forms C3284*.
Identifiers: ClinVar variation 3376518 (VCV003376518.3).

ClinVar aggregate classification (germline): Pathogenic (1 of 4 stars; one submission).

Conditions:
Polycystic kidney disease, adult type (PKD1). Also called: POLYCYSTIC KIDNEY DISEASE, ADULT, TYPE I; Polycystic Kidney Disease 1, Autosomal Dominant; Polycystic kidney disease 1; Polycystic kidney disease 1, severe; Polycystic Kidney, Autosomal Dominant; POLYCYSTIC KIDNEY DISEASE 1 WITH OR WITHOUT POLYCYSTIC LIVER DISEASE. Identifiers: MedGen C3149841, MONDO:0008263, OMIM 173900.

Submission:

Juno Genomics, Hangzhou Juno Genomics, Inc
Classification: Pathogenic for Polycystic kidney disease, adult type. Review status: criteria provided, single submitter. Criteria: ACMG Guidelines, 2015. Collection method: clinical testing. Allele origin: germline. Affected: yes.
Comment: Absent from controls (or at extremely low frequency if recessive) in Genome Aggregation Database, Exome Sequencing Project, 1000 Genomes Project, or Exome Aggregation Consortium.;Null variant in a gene where loss of function (LOF) is a known mechanism of disease.